The following is an entry in ClinVar:

ClinVar aggregate classification (germline): Uncertain significance. Review status: criteria provided, multiple submitters, no conflicts (2 of 4 stars). 2 submissions from 2 submitters: Uncertain significance (2). Last evaluated 2025-07-21.

Conditions:
Inborn genetic diseases. Identifiers: MedGen C0950123, MeSH D030342.
Aicardi-Goutieres syndrome 6 (AGS6). Identifiers: Orphanet 51, MedGen C3539013, MONDO:0014007, OMIM 615010.
Symmetrical dyschromatosis of extremities (DSH). Also called: DYSCHROMATOSIS SYMMETRICA HEREDITARIA 1; RETICULATE ACROPIGMENTATION OF DOHI; SYMMETRIC DYSCHROMATOSIS OF THE EXTREMITIES; Dyschromatosis symmetrica hereditaria. Identifiers: Orphanet 41, MedGen C0406775, MONDO:0007483, OMIM 127400.

Allele frequency attached by ClinVar (database versions not stated): gnomAD 0.00001; TOPMed 0.00003.
gnomAD v4.1: 2 of 1,613,994 alleles (0.00012%); highest among the groups gnomAD compares: African/African-American, 0.0027%; no homozygotes.

Submissions (2):

Labcorp Genetics (formerly Invitae), Labcorp
Classification: Uncertain significance for Aicardi-Goutieres syndrome 6; Symmetrical dyschromatosis of extremities. Last evaluated: 2025-07-21. Review status: criteria provided, single submitter. Criteria: Invitae Variant Classification Sherloc (09022015). Collection method: clinical testing. Allele origin: germline.
Comment: This sequence change replaces glutamic acid, which is acidic and polar, with glutamine, which is neutral and polar, at codon 1014 of the ADAR protein (p.Glu1014Gln). This variant is present in population databases (no rsID available, gnomAD 0.01%). This variant has not been reported in the literature in individuals affected with ADAR-related conditions. ClinVar contains an entry for this variant (Variation ID: 1468930). Invitae Evidence Modeling of protein sequence and biophysical properties (such as structural, functional, and spatial information, amino acid conservation, physicochemical variation, residue mobility, and thermodynamic stability) has been performed for this missense variant. However, the output from this modeling did not meet the statistical confidence thresholds required to predict the impact of this variant on ADAR protein function. In summary, the available evidence is currently insufficient to determine the role of this variant in disease. Therefore, it has been classified as a Variant of Uncertain Significance.

Ambry Genetics
Classification: Uncertain significance for Inborn genetic diseases. Last evaluated: 2023-07-30. Review status: criteria provided, single submitter. Criteria: Ambry Variant Classification Scheme 2023. Collection method: clinical testing. Allele origin: germline.

NM_001111.5(ADAR):c.3040G>C (p.Glu1014Gln)

Gene: ADAR (adenosine deaminase RNA specific; minus strand). Cytogenetic location: 1q21.3.
Variant type: single nucleotide variant.
Coding change: c.3040G>C on transcript NM_001111.5 (MANE Select); coding-DNA position 3040, G replaced by C.
Protein change: p.Glu1014Gln; replaces glutamic acid 1014 with glutamine.
Molecular consequence: missense variant.
Genome position (GRCh38, 1-based): chr1:154,586,343, C>G on the plus strand (G>C on the coding strand, the complement: ADAR is on the minus strand). VCF-style: chr1-154586343-C-G. GRCh37 (hg19) VCF-style: chr1-154558819-C-G.
Other names: c.3040G>C (NM_001111.4); c.2155G>C, p.Glu719Gln (NM_001025107.3, NM_001193495.2, NM_001365046.1 and 2 more transcripts); c.3067G>C, p.Glu1023Gln (NM_001365045.1); c.2077G>C, p.Glu693Gln (NM_001365049.1); c.2962G>C, p.Glu988Gln (NM_015840.4); c.2905G>C, p.Glu969Gln (NM_015841.4); short protein forms E719Q, E1014Q, E1023Q, E988Q, E693Q, E969Q.
Identifiers: ClinVar variation 1468930 (VCV001468930.10), dbSNP rs965662260, ClinGen allele CA30849673.